The following is an entry in ClinVar:

NM_007294.4(BRCA1):c.5332+4del

Gene: BRCA1 (BRCA1 DNA repair associated; minus strand). Cytogenetic location: 17q21.31.
Variant type: Deletion.
Coding change: c.5332+4del on transcript NM_007294.4 (MANE Select); 4 bases into the intron after coding-DNA position 5332, one base deleted (A; older notation c.5332+4delA).
Molecular consequence: intron variant.
Genome position (GRCh38, 1-based): chr17:43,051,059, T deleted on the plus strand (A on the coding strand, the reverse complement: BRCA1 is on the minus strand); the first of 2 consecutive T bases (chr17:43,051,059-43,051,060); deleting either gives the same sequence. VCF-style (leftmost placement, unchanged base first): chr17-43051058-CT-C. GRCh37 (hg19) VCF-style: chr17-41203075-CT-C.
Other names: c.5332+4delA (NM_007294.3); c.1879+4del (NM_001408458.1, NM_001408461.1, NM_001408464.1 and 7 more transcripts); c.4441+4del (NM_001407967.1); c.4951+4del (NM_001407959.1); c.5065+4del (NM_001407931.1, NM_001407932.1, NM_001407928.1 and 4 more transcripts); c.5188+4del (NM_001407747.1, NM_001407745.1, NM_001407737.1 and 21 more transcripts); c.4948+4del (NM_001407962.1, NM_001407960.1); c.1519+4del (NM_001408512.1); and 75 more.
Identifiers: ClinVar variation 422413 (VCV000422413.3), dbSNP rs1064795765, ClinGen allele CA16620420.

ClinVar aggregate classification (germline): Uncertain significance (1 of 4 stars; one submission).

Submission:

GeneDx
Classification: Uncertain significance. Last evaluated: 2017-12-11. Review status: criteria provided, single submitter. Criteria: GeneDx Variant Classification (06012015). Collection method: clinical testing. Allele origin: germline. Affected: yes.
Comment: This variant is denoted BRCA1 c.5332+4delA or IVS20+4delA and consists of a deletion of one nucleotide at the +4 position in intron 20 of the BRCA1 gene. Using alternative nomenclature, this variant would be defined as BRCA1 5451+4delA. The normal sequence, with the bases that are deleted in brackets, is Ggta[dela]gagc, where the capital letters are exonic and lowercase are intronic. Multiple in silico models predict this variant to damage the natural donor site for intron 20 and to possibly cause abnormal gene splicing. However, in the absence of RNA or functional studies, the actual effect of this variant is unknown. BRCA1 c.5332+4delA was not observed in large population cohorts (NHLBI Exome Sequencing Project, The 1000 Genomes Consortium 2015, Lek 2016). Park et al. (2017) identified this variant in a high-risk breast cancer patient. The nucleotide that is deleted is conserved across species. Based on the currently available evidence, it is unclear whether BRCA1 c.5332+4delA is pathogenic or benign. We consider it to be a variant of uncertain significance.